The following is an entry in ClinVar:

NM_001429.4(EP300):c.1879-2del

Gene: EP300 (EP300 lysine acetyltransferase; plus strand). Cytogenetic location: 22q13.2.
Variant type: Deletion.
Coding change: c.1879-2del on transcript NM_001429.4 (MANE Select); the canonical splice acceptor site of the intron before coding-DNA position 1879, one base deleted (A; older notation c.1879-2delA).
Molecular consequence: splice acceptor variant.
Genome position (GRCh38, 1-based): chr22:41,141,046, A deleted; the last of 4 consecutive A bases (chr22:41,141,043-41,141,046); deleting any one gives the same sequence. VCF-style (leftmost placement, unchanged base first): chr22-41141042-CA-C. GRCh37 (hg19) VCF-style: chr22-41537046-CA-C.
Other names: c.1879-2del (NM_001362843.2).
Identifiers: ClinVar variation 1708011 (VCV001708011.3), dbSNP rs2518144912, ClinGen allele CA2580099807.

ClinVar aggregate classification (germline): Uncertain significance (1 of 4 stars; one submission).

Submission:

GeneDx
Classification: Uncertain significance. Last evaluated: 2023-04-10. Review status: criteria provided, single submitter. Criteria: GeneDx Variant Classification Process June 2021. Collection method: clinical testing. Allele origin: germline.
Comment: Not observed at significant frequency in large population cohorts (gnomAD); Has not been previously published as pathogenic or benign to our knowledge